The following is an entry in ClinVar:

NM_001844.5(COL2A1):c.656G>A (p.Gly219Glu)

Gene: COL2A1 (collagen type II alpha 1 chain; minus strand). Cytogenetic location: 12q13.11.
Variant type: single nucleotide variant.
Coding change: c.656G>A on transcript NM_001844.5 (MANE Select); coding-DNA position 656, G replaced by A.
Protein change: p.Gly219Glu; replaces glycine 219 with glutamic acid.
Molecular consequence: missense variant.
Genome position (GRCh38, 1-based): chr12:47,995,762, C>T on the plus strand (G>A on the coding strand, the complement: COL2A1 is on the minus strand). VCF-style: chr12-47995762-C-T. GRCh37 (hg19) VCF-style: chr12-48389545-C-T.
Other names: c.449G>A, p.Gly150Glu (NM_033150.3); short protein forms G219E, G150E.
Identifiers: ClinVar variation 2137350 (VCV002137350.4), dbSNP rs2540174681, ClinGen allele CA384523802.

ClinVar aggregate classification (germline): Pathogenic (1 of 4 stars; one submission).

Submission:

Labcorp Genetics (formerly Invitae), Labcorp
Classification: Pathogenic. Last evaluated: 2024-08-29. Review status: criteria provided, single submitter. Criteria: Invitae Variant Classification Sherloc (09022015). Collection method: clinical testing. Allele origin: germline.
Comment: This sequence change replaces glycine, which is neutral and non-polar, with glutamic acid, which is acidic and polar, at codon 219 of the COL2A1 protein (p.Gly219Glu). This variant is not present in population databases (gnomAD no frequency). This missense change has been observed in individuals with clinical features of autosomal dominant COL2A1-related conditions (PMID: 26443184; internal data). ClinVar contains an entry for this variant (Variation ID: 2137350). Experimental studies and prediction algorithms are not available or were not evaluated, and the functional significance of this variant is currently unknown. This variant disrupts the triple helix domain of COL2A1. Glycine residues within the Gly-Xaa-Yaa repeats of the triple helix domain are required for the structure and stability of fibrillar collagens (PMID: 7695699, 8218237, 19344236). In COL2A1, variants affecting these glycine residues are significantly enriched in individuals with disease (PMID: 9016532, 17078022) compared to the general population (ExAC). This variant disrupts the p.Gly219 amino acid residue in COL2A1. Other variant(s) that disrupt this residue have been observed in individuals with COL2A1-related conditions (PMID: 20179744, 31827275), which suggests that this may be a clinically significant amino acid residue. For these reasons, this variant has been classified as Pathogenic.

Literature cited by the submitters: PubMed 26443184; PubMed 7695699; PubMed 8218237; PubMed 19344236; PubMed 9016532; PubMed 17078022; PubMed 20179744; PubMed 31827275.